The following is an entry in ClinVar:

NM_004356.4(CD81):c.414T>C (p.Asp138=)

Gene: CD81 (CD81 molecule; plus strand). Cytogenetic location: 11p15.5.
Variant type: single nucleotide variant.
Coding change: c.414T>C on transcript NM_004356.4 (MANE Select); coding-DNA position 414, T replaced by C.
Protein change: p.Asp138=; no amino-acid change (aspartic acid 138 retained).
Molecular consequence: synonymous variant.
Genome position (GRCh38, 1-based): chr11:2,395,475, T>C. VCF-style: chr11-2395475-T-C. GRCh37 (hg19) VCF-style: chr11-2416705-T-C.
Other names: c.201T>C, p.Asp67= (NM_001297649.2).
Identifiers: ClinVar variation 439472 (VCV000439472.58), dbSNP rs143644902, ClinGen allele CA5819998.
Genomic context (GRCh38, chr11:2,395,475, plus strand): 5'-GATCGCCAAGGATGTGAAGCAGTTCTATGACCAGGCCCTACAGCAGGCCGTGGTGGATGA[T>C]GACGCCAACAACGCCAAGGCTGTGGTGAAGACCTTCCACGAGACGGTGCGGCCCCGGGGG-3'
Protein context (NP_004347.1, residues 128-148): DQALQQAVVD[Asp138=]DANNAKAVVK

ClinVar aggregate classification (germline): Benign/Likely benign. Review status: criteria provided, multiple submitters, no conflicts (2 of 4 stars). 6 submissions from 6 submitters: Benign (1); Likely benign (5). Last evaluated 2026-02-02.

Conditions:
Immunodeficiency, common variable, 6. Also called: ANTIBODY DEFICIENCY DUE TO CD81 DEFECT. Identifiers: Orphanet 1572, MedGen C3150741, MONDO:0013286, OMIM 613496.

Allele frequency attached by ClinVar (database versions not stated): 1000 Genomes Project 0.00100; 1000 Genomes Project 30x 0.00125; TOPMed 0.00178; gnomAD 0.00203 and 0.00208; gnomAD exomes 0.00207 and 0.00284; ExAC 0.00227; ESP Exome Variant Server 0.00246.
gnomAD v4.1: 4,399 of 1,612,744 alleles (0.27%); highest among the groups gnomAD compares: Non-Finnish European, 0.34%; 6 homozygotes.

Submissions (6):

Labcorp Genetics (formerly Invitae), Labcorp
Classification: Benign. Last evaluated: 2026-02-02. Review status: criteria provided, single submitter. Criteria: Invitae Variant Classification Sherloc (09022015). Collection method: clinical testing. Allele origin: germline.

CeGaT Center for Human Genetics Tuebingen
Classification: Likely benign. Last evaluated: 2025-07-01. Review status: criteria provided, single submitter. Criteria: CeGaT Center For Human Genetics Tuebingen Variant Classification Criteria Version 2. Collection method: clinical testing. Allele origin: germline. Affected: yes. Observed: 7 variant alleles.
Comment: CD81: BP4, BP7

Blueprint Genetics
Classification: Likely benign. Last evaluated: 2024-11-25. Review status: criteria provided, single submitter. Criteria: ACMG Guidelines, 2015. Collection method: clinical testing. Allele origin: germline.

Fulgent Genetics
Classification: Likely benign for Immunodeficiency, common variable, 6. Last evaluated: 2022-04-14. Review status: criteria provided, single submitter. Criteria: ACMG Guidelines, 2015. Collection method: clinical testing. Allele origin: unknown.

ARUP Laboratories, Molecular Genetics and Genomics, ARUP Laboratories
Classification: Likely benign. Last evaluated: 2017-01-20. Review status: criteria provided, single submitter. Criteria: ARUP Molecular Germline Variant Investigation Process. Collection method: clinical testing. Allele origin: germline.

Breakthrough Genomics
Classification: Likely benign. Review status: criteria provided, single submitter. Criteria: ACMG Guidelines, 2015. Collection method: not provided. Allele origin: germline. Inheritance: Autosomal recessive inheritance. Affected: yes.